The following is an entry in ClinVar:

NM_001184.4(ATR):c.5647T>C (p.Trp1883Arg)

Gene: ATR (ATR checkpoint kinase; minus strand). Cytogenetic location: 3q23.
Variant type: single nucleotide variant.
Coding change: c.5647T>C on transcript NM_001184.4 (MANE Select); coding-DNA position 5647, T replaced by C.
Protein change: p.Trp1883Arg; replaces tryptophan 1883 with arginine.
Molecular consequence: missense variant.
Genome position (GRCh38, 1-based): chr3:142,497,104, A>G on the plus strand (T>C on the coding strand, the complement: ATR is on the minus strand). VCF-style: chr3-142497104-A-G. GRCh37 (hg19) VCF-style: chr3-142215946-A-G.
Other names: c.5455T>C, p.Trp1819Arg (NM_001354579.2); short protein forms W1819R, W1883R.
Identifiers: ClinVar variation 3221220 (VCV003221220.1), dbSNP rs2473158503, ClinGen allele CA354814732.

ClinVar aggregate classification (germline): Uncertain significance (1 of 4 stars; one submission).

Conditions:
Inborn genetic diseases. Identifiers: MedGen C0950123, MeSH D030342.

Submission:

Ambry Genetics
Classification: Uncertain significance for Inborn genetic diseases. Last evaluated: 2024-02-24. Review status: criteria provided, single submitter. Criteria: Ambry Variant Classification Scheme 2023. Collection method: clinical testing. Allele origin: germline.
Comment: The p.W1883R variant (also known as c.5647T>C), located in coding exon 33 of the ATR gene, results from a T to C substitution at nucleotide position 5647. The tryptophan at codon 1883 is replaced by arginine, an amino acid with dissimilar properties. This amino acid position is conserved. In addition, this alteration is predicted to be deleterious by in silico analysis. Based on the available evidence, the clinical significance of this alteration remains unclear.